The following is an entry in ClinVar:

NM_001015880.2(PAPSS2):c.809G>A (p.Gly270Asp)

Gene: PAPSS2 (3'-phosphoadenosine 5'-phosphosulfate synthase 2; plus strand). Cytogenetic location: 10q23.31.
Variant type: single nucleotide variant.
Coding change: c.809G>A on transcript NM_001015880.2 (MANE Select); coding-DNA position 809, G replaced by A.
Protein change: p.Gly270Asp; replaces glycine 270 with aspartic acid.
Molecular consequence: missense variant.
Genome position (GRCh38, 1-based): chr10:87,715,787, G>A. VCF-style: chr10-87715787-G-A. GRCh37 (hg19) VCF-style: chr10-89475544-G-A.
Other names: c.809G>A, p.Gly270Asp (NM_004670.4); c.809G>A (NM_004670.3); short protein forms G270D.
Identifiers: ClinVar variation 287596 (VCV000287596.30), dbSNP rs138943074, ClinGen allele CA5589560.
Genomic context (GRCh38, chr10:87,715,787, plus strand): 5'-TGCAGCTGGATCTCCAGTGGGTCCAGGTTTTGAGCGAAGGCTGGGCCACTCCCCTCAAAG[G>A]TTTCATGCGGGAGAAGGAGTACTTACAGGTTATGCACTTTGACACCCTGCTAGATGGTAT-3'
Protein context (NP_001015880.1, residues 260-280): LSEGWATPLK[Gly270Asp]FMREKEYLQV

ClinVar aggregate classification (germline): Conflicting classifications of pathogenicity. Review status: criteria provided, conflicting classifications (1 of 4 stars). 13 submissions from 13 submitters: Pathogenic (11); Likely pathogenic (1); Uncertain significance (1). Last evaluated 2026-02-25.

Conditions:
PAPSS2-related disorder. Also called: PAPSS2-related condition.
Inborn genetic diseases. Identifiers: MedGen C0950123, MeSH D030342.
Skeletal dysplasia. Also called: Primary bone dysplasia. Identifiers: Orphanet 364526, MedGen C0410528, MONDO:0018230, HP:0002652.
Spondyloepimetaphyseal dysplasia, PAPSS2 type. Also called: SEMD, PAKISTANI TYPE; BRACHYOLMIA TYPE 4 WITH MILD EPIPHYSEAL AND METAPHYSEAL CHANGES; SPONDYLODYSPLASIA AND PREMATURE PUBARCHE. Identifiers: Orphanet 93282, MedGen C2748516, MONDO:0019666, OMIM 612847.

Allele frequency attached by ClinVar (database versions not stated): ESP Exome Variant Server 0.00015; 1000 Genomes Project 30x 0.00016; 1000 Genomes Project 0.00020; ExAC 0.00030; gnomAD exomes 0.00032; gnomAD 0.00037 and 0.00038; TOPMed 0.00042.
gnomAD v4.1: 969 of 1,613,856 alleles (0.06%); highest among the groups gnomAD compares: Non-Finnish European, 0.078%; no homozygotes.

Submissions (13):

Victorian Clinical Genetics Services, Murdoch Childrens Research Institute
Classification: Pathogenic for Spondyloepimetaphyseal dysplasia, PAPSS2 type. Last evaluated: 2026-02-25. Review status: criteria provided, single submitter. Criteria: ACMG Guidelines, 2015. Collection method: clinical testing. Allele origin: germline. Affected: yes.
Comment: This variant is classified as Pathogenic. Evidence in support of pathogenic classification: Variant is present in gnomAD <0.01 for a recessive condition (v4: 969 heterozygote(s), 0 homozygote(s)); This variant has strong previous evidence of pathogenicity in unrelated individuals. This variant has been classified as pathogenic by diagnostic laboratories in ClinVar, and reported in the literature in individuals with brachyolmia (PMID: 31313512); This variant has moderate functional evidence supporting abnormal protein function. In an in vitro study, this variant was shown to functionally reduce the catalytic activity of the PAPS synthase 2 protein (PMID: 25594860); Missense variant predicted to be damaging by in silico tool(s) or highly conserved with a major amino acid change. Additional information: Variant is predicted to result in a missense amino acid change from Gly to Asp; This variant is heterozygous; This gene is associated with autosomal recessive disease; Alternative amino acid change(s) at the same position are present in gnomAD (Highest allele count: v4: 1 heterozygote(s), 0 homozygote(s)); Variant is located in the annotated PUA-like domain (DECIPHER); Loss of function is a known mechanism of disease in this gene and is associated with brachyolmia 4 with mild epiphyseal and metaphyseal changes (MIM#612847); Heterozygous variant detected in trans with a second PATHOGENIC heterozygous variant (NM_001015880.2(PAPSS2):c.1386del; p.(Trp462Cysfs*3)) in a recessive disease.

OLLIN Analises Genomicas, OLLIN
Classification: Pathogenic for Spondyloepimetaphyseal dysplasia, PAPSS2 type. Last evaluated: 2026-02-13. Review status: criteria provided, single submitter. Criteria: ACMG Guidelines 2015 PMID 25741868. Collection method: clinical testing. Allele origin: germline. Observed: 1 variant allele.
Comment: PM2_P, PM3_VS, PP1, PP3_M

Ambry Genetics
Classification: Pathogenic for Inborn genetic diseases. Last evaluated: 2025-12-12. Review status: criteria provided, single submitter. Criteria: Ambry Variant Classification Scheme 2023. Collection method: clinical testing. Allele origin: germline.
Comment: The c.809G>A (p.G270D) alteration is located in exon 7 (coding exon 7) of the PAPSS2 gene. This alteration results from a G to A substitution at nucleotide position 809, causing the glycine (G) at amino acid position 270 to be replaced by an aspartic acid (D). Based on data from gnomAD, the A allele has an overall frequency of 0.034% (95/282586) total alleles studied. The highest observed frequency was 0.068% (88/128974) of European (non-Finnish) alleles. This variant has been identified in the homozygous state and/or in conjunction with other PAPSS2 variant(s) in individual(s) with features consistent with PAPSS2-related brachyolmia with mild epiphyseal and metaphyseal changes; in at least one instance, the variants were identified in trans (Oostdijk, 2015; Bownass, 2019). This amino acid position is well conserved in available vertebrate species. This alteration is predicted to be deleterious by in silico analysis. Based on the available evidence, this alteration is classified as pathogenic.

Labcorp Genetics (formerly Invitae), Labcorp
Classification: Pathogenic for Spondyloepimetaphyseal dysplasia, PAPSS2 type. Last evaluated: 2025-12-12. Review status: criteria provided, single submitter. Criteria: Invitae Variant Classification Sherloc (09022015). Collection method: clinical testing. Allele origin: germline.
Comment: This sequence change replaces glycine, which is neutral and non-polar, with aspartic acid, which is acidic and polar, at codon 270 of the PAPSS2 protein (p.Gly270Asp). This variant is present in population databases (rs138943074, gnomAD 0.07%). This missense change has been observed in individual(s) with brachyolmia (PMID: 25594860, 31313512). In at least one individual the data is consistent with being in trans (on the opposite chromosome) from a pathogenic variant. It has also been observed to segregate with disease in related individuals. ClinVar contains an entry for this variant (Variation ID: 287596). An algorithm developed to predict the effect of missense changes on protein structure and function (PolyPhen-2) suggests that this variant is likely to be disruptive. For these reasons, this variant has been classified as Pathogenic.

Dasa
Classification: Pathogenic. Last evaluated: 2025-10-08. Review status: criteria provided, single submitter. Criteria: DASA Assertion Criteria. Collection method: clinical testing. Allele origin: germline.
Comment: NM_001015880.2(PAPSS2):c.809G>A (p.Gly270Asp) is a missense variant that results in the substitution of glycine with aspartic acid. The affected residue or protein region has prior evidence supporting clinical relevance. Segregation evidence has been reported in affected families. This variant has been observed in affected individuals with related phenotype in a genotype context consistent with recessive disease (PMID: 37940764; PMID: 31313512). This variant has been recurrently observed in individuals with related phenotype (PMID: 37940764; PMID: 31313512). Multiple computational predictions support a deleterious effect on the gene or gene product. The variant is present at low frequency in population datasets. Based on the available data, this variant is classified as pathogenic.

Blueprint Genetics
Classification: Pathogenic for PAPSS2-related disorders. Last evaluated: 2024-11-17. Review status: criteria provided, single submitter. Criteria: ACMG Guidelines, 2015. Collection method: clinical testing. Allele origin: germline. Affected: yes. Observed: 5 variant alleles.

PreventionGenetics, part of Exact Sciences
Classification: Likely pathogenic for PAPSS2-related condition. Last evaluated: 2024-11-14. Review status: criteria provided, single submitter. Criteria: ACMG Guidelines, 2015. Collection method: clinical testing. Allele origin: germline.
Comment: The PAPSS2 c.809G>A variant is predicted to result in the amino acid substitution p.Gly270Asp. This variant has been reported in the homozygous and compound heterozygous states in multiple individuals with brachyolmia (see for example, Bownass et al. 2019. PubMed ID: 31313512). This variant is reported in 0.068% of alleles in individuals of European (Non-Finnish) descent in gnomAD. Taken together, we interpret this variant as likely pathogenic.

Mendelics
Classification: Pathogenic for Spondyloepimetaphyseal dysplasia, PAPSS2 type. Last evaluated: 2022-05-04. Review status: criteria provided, single submitter. Criteria: Mendelics Assertion Criteria 2019. Collection method: clinical testing. Allele origin: germline.

GeneDx
Classification: Pathogenic. Last evaluated: 2021-12-28. Review status: criteria provided, single submitter. Criteria: GeneDx Variant Classification Process June 2021. Collection method: clinical testing. Allele origin: germline. Affected: yes.
Comment: Transfection studies found this variant is associated with significantly decreased DHEA sulfation (Oostdijk et al., 2015); In silico analysis supports that this missense variant has a deleterious effect on protein structure/function; This variant is associated with the following publications: (PMID: 25533962, 25594860, 31313512, 33726816)

Cambridge Genomics Laboratory, East Genomic Laboratory Hub, NHS Genomic Medicine Service
Classification: Pathogenic for Skeletal dysplasia. Last evaluated: 2020-03-10. Review status: criteria provided, single submitter. Criteria: ACGS Best Practice Guidelines for Variant Classification in Rare Disease 2020. Collection method: clinical testing. Allele origin: germline. Affected: yes. Observed: 1 variant allele.

Institute of Human Genetics Munich, TUM University Hospital
Classification: Pathogenic for Spondyloepimetaphyseal dysplasia, PAPSS2 type. Last evaluated: 2020-01-17. Review status: criteria provided, single submitter. Criteria: Classification criteria August 2017. Collection method: clinical testing. Allele origin: inherited, germline. Inheritance: Autosomal recessive inheritance. Affected: yes. Observed: 2 homozygotes. Clinical features observed: Disproportionate short stature (HP:0003498), Spondylometaphyseal dysplasia (HP:0002657).

Eurofins Ntd Llc (ga)
Classification: Uncertain significance. Last evaluated: 2016-05-23. Review status: criteria provided, single submitter. Criteria: EGL Classification Definitions 2015. Collection method: clinical testing. Allele origin: germline. Observed: 2 variant alleles, 1 heterozygote, 1 homozygote.

Clinical Genetics and Genomics, Karolinska University Hospital
Classification: Pathogenic. Last evaluated: 2015-11-06. Review status: criteria provided, single submitter. Criteria: ACMG Guidelines, 2015. Collection method: clinical testing. Allele origin: germline. Affected: yes. Observed: 2 variant alleles.

Literature cited by the submitters: PubMed 31313512 (cited by 4 submitters); PubMed 25594860 (cited by 3 submitters); PubMed 37940764 (cited by Dasa).